The following is an entry in ClinVar:

ClinVar aggregate classification (germline): Likely benign. Review status: criteria provided, multiple submitters, no conflicts (2 of 4 stars). 6 submissions from 6 submitters: Likely benign (5). 1 of the submissions does not count toward it. Last evaluated 2025-11-20.

Conditions:
DSG2-related disorder. Also called: DSG2-related condition.
Cardiovascular phenotype. Identifiers: MedGen CN230736.
Arrhythmogenic right ventricular cardiomyopathy (ARVD). Also called: Arrhythmogenic right ventricular dysplasia; Arrhythmogenic Right Ventricular Cardiomyopathy (ARVC); Arrhythmogenic cardiomyopathy; Cardiomyopathy, ARVC. Identifiers: Orphanet 247, MedGen C0349788, MeSH D019571, MONDO:0016587. Disease mechanism: loss of function. Inheritance: Various modes of inheritance.
Arrhythmogenic right ventricular dysplasia 10. Also called: Arrhythmogenic Right Ventricular Dysplasia/Cardiomyopathy10; ARRHYTHMOGENIC RIGHT VENTRICULAR DYSPLASIA, FAMILIAL, 10; Arrhythmogenic right ventricular dysplasia/cardiomyopathy, type 10. Identifiers: MedGen C1857777, MONDO:0012434, OMIM 610193.
Cardiomyopathy (CMYO). Also called: Cardiomyopathies. Identifiers: Orphanet 167848, MedGen C0878544, MONDO:0004994, HP:0001638. Inheritance: Various modes of inheritance.

Allele frequency attached by ClinVar (database versions not stated): gnomAD 0.00001; gnomAD exomes 0.00001 and 0.00002; ExAC 0.00002.
gnomAD v4.1: 14 of 1,613,924 alleles (0.00087%); highest among the groups gnomAD compares: East Asian, 0.0067%; no homozygotes.

Submissions (6):

Labcorp Genetics (formerly Invitae), Labcorp
Classification: Likely benign for Arrhythmogenic right ventricular dysplasia 10. Last evaluated: 2025-11-20. Review status: criteria provided, single submitter. Criteria: Invitae Variant Classification Sherloc (09022015). Collection method: clinical testing. Allele origin: germline.

All of Us Research Program, National Institutes of Health
Classification: Likely benign for Arrhythmogenic right ventricular cardiomyopathy. Last evaluated: 2023-09-04. Review status: criteria provided, single submitter. Criteria: ACMG Guidelines, 2015. Collection method: clinical testing. Allele origin: germline. Inheritance: Autosomal dominant inheritance. Observed: 1 variant allele, 1 heterozygote.
Comment: This study involves interpretation of variants in research participants for the purpose of population health screening. Participant phenotype was not available at the time of variant classification. Additional details can be found in publication PMID: 35346344, PMCID: PMC8962531

Blueprint Genetics
Classification: Likely benign. Last evaluated: 2023-03-31. Review status: criteria provided, single submitter. Criteria: ACMG Guidelines, 2015. Collection method: clinical testing. Allele origin: germline.

Color Diagnostics, LLC DBA Color Health
Classification: Likely benign for Cardiomyopathy. Last evaluated: 2021-03-09. Review status: criteria provided, single submitter. Criteria: ACMG Guidelines, 2015. Collection method: clinical testing. Allele origin: germline.

Ambry Genetics
Classification: Likely benign for Cardiovascular phenotype. Last evaluated: 2018-10-24. Review status: criteria provided, single submitter. Criteria: Ambry Variant Classification Scheme 2023. Collection method: clinical testing. Allele origin: germline.

PreventionGenetics, part of Exact Sciences
Classification: Likely benign for DSG2-related condition. Last evaluated: 2024-05-17. Review status: no assertion criteria provided. Collection method: clinical testing. Allele origin: germline. Not counted in ClinVar's aggregate classification.
Comment: This variant is classified as likely benign based on ACMG/AMP sequence variant interpretation guidelines (Richards et al. 2015 PMID: 25741868, with internal and published modifications).

NM_001943.5(DSG2):c.2136C>T (p.Ser712=)

Genes: DSG2 (desmoglein 2; plus strand), DSG2-AS1 (DSG2 antisense RNA 1; minus strand). Cytogenetic location: 18q12.1.
Variant type: single nucleotide variant.
Coding change: c.2136C>T on transcript NM_001943.5 (MANE Select); coding-DNA position 2136, C replaced by T.
Protein change: p.Ser712=; no amino-acid change (serine 712 retained).
Molecular consequence: synonymous variant.
Genome position (GRCh38, 1-based): chr18:31,542,654, C>T. VCF-style: chr18-31542654-C-T. GRCh37 (hg19) VCF-style: chr18-29122617-C-T.
Identifiers: ClinVar variation 1331731 (VCV001331731.15), dbSNP rs762885119, ClinGen allele CA044933.